The following is an entry in ClinVar:

NM_000179.3(MSH6):c.2686A>G (p.Lys896Glu)

Gene: MSH6 (mutS homolog 6; plus strand). Cytogenetic location: 2p16.3.
Variant type: single nucleotide variant.
Coding change: c.2686A>G on transcript NM_000179.3 (MANE Select); coding-DNA position 2686, A replaced by G.
Protein change: p.Lys896Glu; replaces lysine 896 with glutamic acid.
Molecular consequence: missense variant.
Genome position (GRCh38, 1-based): chr2:47,800,669, A>G. VCF-style: chr2-47800669-A-G. GRCh37 (hg19) VCF-style: chr2-48027808-A-G.
Other names: c.2296A>G, p.Lys766Glu (NM_001281492.2); c.1780A>G, p.Lys594Glu (NM_001281493.2, NM_001281494.2); short protein forms K896E, K766E, K594E.
Identifiers: ClinVar variation 489989 (VCV000489989.11), dbSNP rs1553414015, ClinGen allele CA346755290.

ClinVar aggregate classification (germline): Uncertain significance. Review status: criteria provided, multiple submitters, no conflicts (2 of 4 stars). 3 submissions from 3 submitters: Uncertain significance (3). Last evaluated 2025-10-17.

Conditions:
Hereditary nonpolyposis colorectal neoplasms. Identifiers: MedGen C0009405, MeSH D003123.
Hereditary cancer-predisposing syndrome. Also called: Hereditary Cancer Syndrome; Neoplastic Syndromes, Hereditary; Tumor predisposition; Hereditary neoplastic syndrome. Identifiers: Orphanet 140162, MedGen C0027672, MeSH D009386, MONDO:0015356.

Allele frequency attached by ClinVar (database versions not stated): gnomAD exomes below 0.00001.
gnomAD v4.1: 3 of 1,614,206 alleles (0.00019%); highest among the groups gnomAD compares: Middle Eastern, 0.033%; no homozygotes.

Submissions (3):

Ambry Genetics
Classification: Uncertain significance for Hereditary cancer-predisposing syndrome. Last evaluated: 2025-10-17. Review status: criteria provided, single submitter. Criteria: Ambry Variant Classification Scheme 2023. Collection method: clinical testing. Allele origin: germline.
Comment: The p.K896E variant (also known as c.2686A>G), located in coding exon 4 of the MSH6 gene, results from an A to G substitution at nucleotide position 2686. The lysine at codon 896 is replaced by glutamic acid, an amino acid with similar properties. This alteration was seen in 1/732 breast cancer patients, 0/189 colorectal cancer patients and 1/490 cancer-free elderly controls in a Turkish population (Akcay IM et al. Int J Cancer, 2021 01;148:285-295). This amino acid position is not well conserved in available vertebrate species, and glutamic acid is the reference amino acid in other vertebrate species. In addition, this alteration is predicted to be tolerated by in silico analysis. Since supporting evidence is limited at this time, the clinical significance of this alteration remains unclear.

Labcorp Genetics (formerly Invitae), Labcorp
Classification: Uncertain significance for Hereditary nonpolyposis colorectal neoplasms. Last evaluated: 2024-08-06. Review status: criteria provided, single submitter. Criteria: Invitae Variant Classification Sherloc (09022015). Collection method: clinical testing. Allele origin: germline.
Comment: This sequence change replaces lysine, which is basic and polar, with glutamic acid, which is acidic and polar, at codon 896 of the MSH6 protein (p.Lys896Glu). This variant is not present in population databases (gnomAD no frequency). This variant has not been reported in the literature in individuals affected with MSH6-related conditions. ClinVar contains an entry for this variant (Variation ID: 489989). Advanced modeling of protein sequence and biophysical properties (such as structural, functional, and spatial information, amino acid conservation, physicochemical variation, residue mobility, and thermodynamic stability) performed at Invitae indicates that this missense variant is not expected to disrupt MSH6 protein function with a negative predictive value of 95%. In summary, the available evidence is currently insufficient to determine the role of this variant in disease. Therefore, it has been classified as a Variant of Uncertain Significance.

Color Diagnostics, LLC DBA Color Health
Classification: Uncertain significance for Hereditary cancer-predisposing syndrome. Last evaluated: 2018-10-07. Review status: criteria provided, single submitter. Criteria: ACMG Guidelines, 2015. Collection method: clinical testing. Allele origin: germline.

Literature cited by the submitters: PubMed 32658311 (cited by Ambry Genetics).